The following is an entry in ClinVar:

NM_001040142.2(SCN2A):c.1577C>T (p.Ser526Leu)

Gene: SCN2A (sodium voltage-gated channel alpha subunit 2; plus strand). Cytogenetic location: 2q24.3.
Variant type: single nucleotide variant.
Coding change: c.1577C>T on transcript NM_001040142.2 (MANE Select); coding-DNA position 1577, C replaced by T.
Protein change: p.Ser526Leu; replaces serine 526 with leucine.
Molecular consequence: missense variant.
Genome position (GRCh38, 1-based): chr2:165,315,664, C>T. VCF-style: chr2-165315664-C-T. GRCh37 (hg19) VCF-style: chr2-166172174-C-T.
Other names: p.S526L:TCG>TTG; c.1577C>T, p.Ser526Leu (NM_001040143.2, NM_001371246.1, NM_001371247.1 and 1 more transcripts); short protein forms S526L.
Identifiers: ClinVar variation 207090 (VCV000207090.7), dbSNP rs749504084, ClinGen allele CA318214.

ClinVar aggregate classification (germline): Uncertain significance. Review status: criteria provided, multiple submitters, no conflicts (2 of 4 stars). 3 submissions from 3 submitters: Uncertain significance (3). Last evaluated 2024-07-11.

Conditions:
Seizures, benign familial infantile, 3 (BFIS3). Also called: CONVULSIONS, BENIGN FAMILIAL INFANTILE, 3; Familial neonatal seizures. Identifiers: Orphanet 140927, Orphanet 306, MedGen C1843140, MONDO:0011904, OMIM 607745.
Developmental and epileptic encephalopathy, 11 (DEE11). Also called: Early infantile epileptic encephalopathy 11. Identifiers: Orphanet 1934, MedGen C3150987, MONDO:0013388, OMIM 613721.
Inborn genetic diseases. Identifiers: MedGen C0950123, MeSH D030342.

Allele frequency attached by ClinVar (database versions not stated): gnomAD exomes below 0.00001; ExAC 0.00001; gnomAD 0.00001; TOPMed 0.00001.
gnomAD v4.1: 6 of 1,613,918 alleles (0.00037%); highest among the groups gnomAD compares: Admixed American, 0.0017%; no homozygotes.

Submissions (3):

Labcorp Genetics (formerly Invitae), Labcorp
Classification: Uncertain significance for Seizures, benign familial infantile, 3; Developmental and epileptic encephalopathy, 11. Last evaluated: 2024-07-11. Review status: criteria provided, single submitter. Criteria: Invitae Variant Classification Sherloc (09022015). Collection method: clinical testing. Allele origin: germline.
Comment: This sequence change replaces serine, which is neutral and polar, with leucine, which is neutral and non-polar, at codon 526 of the SCN2A protein (p.Ser526Leu). This variant is present in population databases (rs749504084, gnomAD 0.0009%). This variant has not been reported in the literature in individuals affected with SCN2A-related conditions. ClinVar contains an entry for this variant (Variation ID: 207090). Advanced modeling of protein sequence and biophysical properties (such as structural, functional, and spatial information, amino acid conservation, physicochemical variation, residue mobility, and thermodynamic stability) performed at Invitae indicates that this missense variant is expected to disrupt SCN2A protein function with a positive predictive value of 95%. In summary, the available evidence is currently insufficient to determine the role of this variant in disease. Therefore, it has been classified as a Variant of Uncertain Significance.

GeneDx
Classification: Uncertain significance. Last evaluated: 2024-03-16. Review status: criteria provided, single submitter. Criteria: GeneDx Variant Classification Process June 2021. Collection method: clinical testing. Allele origin: germline. Affected: yes.
Comment: Not observed at significant frequency in large population cohorts (gnomAD); In silico analysis supports that this missense variant has a deleterious effect on protein structure/function; Has not been previously published as pathogenic or benign to our knowledge; This substitution is predicted to be in the cytoplasmic loop between first and second homologous domains.

Ambry Genetics
Classification: Uncertain significance for Inborn genetic diseases. Last evaluated: 2021-06-21. Review status: criteria provided, single submitter. Criteria: Ambry Variant Classification Scheme 2023. Collection method: clinical testing. Allele origin: germline.